The following is an entry in ClinVar:

ClinVar aggregate classification (germline): Uncertain significance. Review status: criteria provided, multiple submitters, no conflicts (2 of 4 stars). 3 submissions from 3 submitters: Uncertain significance (3). Last evaluated 2025-08-18.

Conditions:
Mitochondrial disease. Also called: Mitochondrial disorder; Mitochondrial disorders. Identifiers: Orphanet 68380, MedGen C0751651, MeSH D028361, MONDO:0044970.

Allele frequency attached by ClinVar (database versions not stated): ExAC 0.00004; ESP Exome Variant Server 0.00023; gnomAD exomes 0.00009; gnomAD 0.00011; TOPMed 0.00011.
gnomAD v4.1: 203 of 1,614,044 alleles (0.013%); highest among the groups gnomAD compares: Non-Finnish European, 0.016%; no homozygotes.

Submissions (3):

Labcorp Genetics (formerly Invitae), Labcorp
Classification: Uncertain significance. Last evaluated: 2025-08-18. Review status: criteria provided, single submitter. Criteria: Invitae Variant Classification Sherloc (09022015). Collection method: clinical testing. Allele origin: germline.
Comment: This sequence change replaces glutamic acid, which is acidic and polar, with aspartic acid, which is acidic and polar, at codon 196 of the C1QBP protein (p.Glu196Asp). This variant is present in population databases (rs148670917, gnomAD 0.02%). This variant has not been reported in the literature in individuals affected with C1QBP-related conditions. ClinVar contains an entry for this variant (Variation ID: 1432743). Invitae Evidence Modeling of protein sequence and biophysical properties (such as structural, functional, and spatial information, amino acid conservation, physicochemical variation, residue mobility, and thermodynamic stability) indicates that this missense variant is not expected to disrupt C1QBP protein function with a negative predictive value of 80%. In summary, the available evidence is currently insufficient to determine the role of this variant in disease. Therefore, it has been classified as a Variant of Uncertain Significance.

Department of Pathology and Laboratory Medicine, Sinai Health System
Classification: Uncertain significance for mitochondrial disease. Last evaluated: 2023-04-24. Review status: criteria provided, single submitter. Criteria: ACMG Guidelines, 2015. Collection method: research. Allele origin: germline.

Breakthrough Genomics
Classification: Uncertain significance. Review status: criteria provided, single submitter. Criteria: ACMG Guidelines, 2015. Collection method: not provided. Allele origin: germline. Inheritance: Autosomal recessive inheritance. Affected: yes.

NM_001212.4(C1QBP):c.588A>C (p.Glu196Asp)

Gene: C1QBP (complement C1q binding protein; minus strand). Cytogenetic location: 17p13.2.
Variant type: single nucleotide variant.
Coding change: c.588A>C on transcript NM_001212.4 (MANE Select); coding-DNA position 588, A replaced by C.
Protein change: p.Glu196Asp; replaces glutamic acid 196 with aspartic acid.
Molecular consequence: missense variant.
Genome position (GRCh38, 1-based): chr17:5,433,404, T>G on the plus strand (A>C on the coding strand, the complement: C1QBP is on the minus strand). VCF-style: chr17-5433404-T-G. GRCh37 (hg19) VCF-style: chr17-5336724-T-G.
Other names: short protein forms E196D.
Identifiers: ClinVar variation 1432743 (VCV001432743.6), dbSNP rs148670917, ClinGen allele CA8325224.